The following is an entry in ClinVar:

ClinVar aggregate classification (germline): Uncertain significance (1 of 4 stars; one submission).

Conditions:
Wilms tumor 1 (WT1). Also called: Wilms tumor, somatic. Identifiers: Orphanet 654, MedGen CN033288, MONDO:0008679, OMIM 194070.
11p partial monosomy syndrome (WAGR). Also called: WAGR syndrome; WAGR Spectrum Disorder; CHROMOSOME 11p13 DELETION SYNDROME; WAGR Complex. Identifiers: Orphanet 893, MedGen C0206115, MONDO:0008681, OMIM 194072.
Frasier syndrome. Identifiers: Orphanet 347, MedGen C0950122, MeSH D052159, MONDO:0007635, OMIM 136680.
Drash syndrome (DDS). Also called: WILMS TUMOR AND PSEUDO- OR TRUE HERMAPHRODITISM; NEPHROPATHY, WILMS TUMOR, AND GENITAL ANOMALIES. Identifiers: Orphanet 220, MedGen C0950121, MONDO:0008682, OMIM 194080.

Submission:

Labcorp Genetics (formerly Invitae), Labcorp
Classification: Uncertain significance for Wilms tumor 1; Drash syndrome; 11p partial monosomy syndrome; Frasier syndrome. Last evaluated: 2019-08-30. Review status: criteria provided, single submitter. Criteria: Invitae Variant Classification Sherloc (09022015). Collection method: clinical testing. Allele origin: germline.
Comment: Algorithms developed to predict the effect of missense changes on protein structure and function are either unavailable or do not agree on the potential impact of this missense change (SIFT: "Deleterious"; PolyPhen-2: "Probably Damaging"; Align-GVGD: "Class C0"). This variant has not been reported in the literature in individuals with WT1-related conditions. The frequency data for this variant in the population databases is considered unreliable, as metrics indicate insufficient coverage at this position in the ExAC database. This sequence change replaces valine with phenylalanine at codon 83 of the WT1 protein (p.Val83Phe). The valine residue is moderately conserved and there is a small physicochemical difference between valine and phenylalanine. In summary, the available evidence is currently insufficient to determine the role of this variant in disease. Therefore, it has been classified as a Variant of Uncertain Significance.

NM_024426.6(WT1):c.262G>T (p.Val88Phe)

Genes: WT1 (WT1 transcription factor; minus strand), LOC107982234 (WT1/WT1-AS bi-directional promoter region; plus strand). Cytogenetic location: 11p13.
Variant type: single nucleotide variant.
Coding change: c.262G>T on transcript NM_024426.6 (MANE Select); coding-DNA position 262, G replaced by T.
Protein change: p.Val88Phe; replaces valine 88 with phenylalanine.
Molecular consequence: missense variant. On other transcripts: non-coding transcript variant (1).
Genome position (GRCh38, 1-based): chr11:32,435,099, C>A on the plus strand (G>T on the coding strand, the complement: WT1 is on the minus strand). VCF-style: chr11-32435099-C-A. GRCh37 (hg19) VCF-style: chr11-32456645-C-A.
Other names: c.262G>T, p.Val88Phe (NM_000378.6, NM_024424.5); short protein forms V88F.
Identifiers: ClinVar variation 934808 (VCV000934808.10), dbSNP rs1410971862, ClinGen allele CA379966047.